The following is an entry in ClinVar:

NM_000444.6(PHEX):c.645_652del (p.Asn216fs)

Gene: PHEX (phosphate regulating endopeptidase X-linked; plus strand). Cytogenetic location: Xp22.11.
Variant type: Deletion.
Coding change: c.645_652del on transcript NM_000444.6 (MANE Select); coding-DNA positions 645 to 652, 8 bases deleted (CAATGAAC; older notation c.645_652delCAATGAAC).
Protein change: p.Asn216fs; shifts the reading frame from asparagine 216.
Molecular consequence: frameshift variant.
Genome position (GRCh38, 1-based): chrX:22,077,684-22,077,691, CAATGAAC deleted; deleting any 8 consecutive bases within chrX:22,077,683-22,077,691 gives the same sequence; the c. name uses the placement nearest the transcript's 3' end. VCF-style (leftmost placement, unchanged base first): chrX-22077682-TCCAATGAA-T. GRCh37 (hg19) VCF-style: chrX-22095800-TCCAATGAA-T.
Other names: c.644_651del (NM_000444.6); c.645_652del, p.Asn216fs (NM_001282754.2); short protein forms N216fs.
Identifiers: ClinVar variation 977308 (VCV000977308.3), dbSNP rs1929218157, ClinGen allele CA1139667285.

ClinVar aggregate classification (germline): Likely pathogenic (1 of 4 stars; one submission).

Conditions:
Familial X-linked hypophosphatemic vitamin D refractory rickets (XLHRD). Also called: X-Linked Hypophosphatemia; Hypophosphatemic Rickets, X-Linked Dominant; HYPOPHOSPHATEMIC VITAMIN D-RESISTANT RICKETS; Hypophosphatemia, vitamin D-resistant rickets; Vitamin D-resistant rickets, X-linked. Identifiers: Orphanet 89936, MedGen C0733682, MONDO:0010619, OMIM 307800.

Submission:

Breda Genetics srl
Classification: Likely pathogenic for Familial X-linked hypophosphatemic vitamin D refractory rickets. Last evaluated: 2020-06-18. Review status: criteria provided, single submitter. Criteria: ACMG Guidelines, 2015. Collection method: clinical testing. Allele origin: germline. Inheritance: X-linked dominant inheritance. Affected: yes. Observed: 1 variant allele, 1 heterozygote.
Comment: The variant c.644_651del (p.Asn216Tyrfs*19) creates a shift in the reading frame which is predicted to result in a premature stop codon 19 amino acids downstream and it is likely to result in a truncated protein or protein loss due to nonsense-mediated messenger decay (NMD). This variant has not been reported in dbSNP, gnomAD, 1000 Genomes, NHLBI Exome Sequencing Project (ESP) or ClinVar.